The following is an entry in ClinVar:

NM_031885.5(BBS2):c.235A>C (p.Thr79Pro)

Gene: BBS2 (Bardet-Biedl syndrome 2; minus strand). Cytogenetic location: 16q13.
Variant type: single nucleotide variant.
Coding change: c.235A>C on transcript NM_031885.5 (MANE Select); coding-DNA position 235, A replaced by C.
Protein change: p.Thr79Pro; replaces threonine 79 with proline.
Molecular consequence: missense variant. On other transcripts: non-coding transcript variant (5).
Genome position (GRCh38, 1-based): chr16:56,514,563, T>G on the plus strand (A>C on the coding strand, the complement: BBS2 is on the minus strand). VCF-style: chr16-56514563-T-G. GRCh37 (hg19) VCF-style: chr16-56548475-T-G.
Other names: c.235A>C, p.Thr79Pro (NM_001377456.1); short protein forms T79P.
Identifiers: ClinVar variation 573243 (VCV000573243.10), dbSNP rs1387025330, ClinGen allele CA395985834.

ClinVar aggregate classification (germline): Conflicting classifications of pathogenicity. Review status: criteria provided, conflicting classifications (1 of 4 stars). 3 submissions from 3 submitters: Pathogenic (1); Likely pathogenic (1); Uncertain significance (1). Last evaluated 2026-08-18.

Conditions:
BBS2-related ciliopathy. Identifiers: MedGen CN378634, MONDO:1040048.
Bardet-Biedl syndrome (BBS). Identifiers: Orphanet 110, MedGen C0752166, MONDO:0015229.
Bardet-Biedl syndrome 2 (BBS2). Identifiers: Orphanet 110, MedGen C2936863, MONDO:0014432, OMIM 615981.

Allele frequency attached by ClinVar (database versions not stated): TOPMed 0.00001.

Submissions (3):

Myriad Genetics, Inc.
Classification: Uncertain significance for BBS2-related ciliopathy. Last evaluated: 2026-08-18. Review status: criteria provided, single submitter. Criteria: Myriad Autosomal Dominant, Autosomal Recessive and X-Linked Classification Criteria (2023). Collection method: clinical testing. Allele origin: unknown.
Comment: NM_031885.3(BBS2):c.235A>C(T79P) is a missense variant classified as a variant of uncertain significance in the context of Bardet-Biedl syndrome, BBS2-related. T79P has been observed in cases with relevant disease (PMID: 33520300, 38584252). Relevant functional assessments of this variant are not available in the literature. T79P has not been observed in referenced population frequency databases. In summary, there is insufficient evidence to classify NM_031885.3(BBS2):c.235A>C(T79P) as pathogenic or benign. Please note: this variant was assessed in the context of healthy population screening.

Labcorp Genetics (formerly Invitae), Labcorp
Classification: Pathogenic for Bardet-Biedl syndrome. Last evaluated: 2025-09-02. Review status: criteria provided, single submitter. Criteria: Invitae Variant Classification Sherloc (09022015). Collection method: clinical testing. Allele origin: germline.
Comment: This sequence change replaces threonine, which is neutral and polar, with proline, which is neutral and non-polar, at codon 79 of the BBS2 protein (p.Thr79Pro). This variant is not present in population databases (gnomAD no frequency). This missense change has been observed in individual(s) with clinical features consistent with Bardet-Biedl syndrome (PMID: 33520300; internal data). In at least one individual the data is consistent with being in trans (on the opposite chromosome) from a pathogenic variant. It has also been observed to segregate with disease in related individuals. ClinVar contains an entry for this variant (Variation ID: 573243). Invitae Evidence Modeling of protein sequence and biophysical properties (such as structural, functional, and spatial information, amino acid conservation, physicochemical variation, residue mobility, and thermodynamic stability) has been performed for this missense variant. However, the output from this modeling did not meet the statistical confidence thresholds required to predict the impact of this variant on BBS2 protein function. For these reasons, this variant has been classified as Pathogenic.

Natera, Inc.
Classification: Likely pathogenic for Bardet-Biedl syndrome type 2. Last evaluated: 2025-03-28. Review status: criteria provided, single submitter. Criteria: Natera Variant Classification Schema (03/2026). Collection method: clinical testing. Allele origin: germline.
Comment: The c.235A>C variant in BBS2 is a missense variant predicted to cause substitution of threonine to proline at amino acid 79. This variant is rare in the general population with a frequency below the threshold expected for the associated phenotype(s). This variant has been observed in one or more individuals affected with the associated recessive disease, as either homozygous or compound heterozygous with a second variant (PMID: 38584252, 33520300). Additionally, this variant has been observed to segregate in affected family members (PMID: 33520300). Given the available evidence, this variant is classified as Likely Pathogenic.

Literature cited by the submitters: PubMed 33520300 (cited by 3 submitters); PubMed 38584252 (cited by Myriad Genetics, Inc. and Natera, Inc.).